The following is an entry in ClinVar:

ClinVar aggregate classification (germline): Uncertain significance. Review status: criteria provided, multiple submitters, no conflicts (2 of 4 stars). 2 submissions from 2 submitters: Uncertain significance (2). Last evaluated 2024-11-05.

Conditions:
Cardiovascular phenotype. Identifiers: MedGen CN230736.

Allele frequency attached by ClinVar (database versions not stated): TOPMed 0.00001.
gnomAD v4.1: 12 of 1,612,684 alleles (0.00074%); highest among the groups gnomAD compares: Non-Finnish European, 0.00093%; no homozygotes.

Submissions (2):

GeneDx
Classification: Uncertain significance. Last evaluated: 2024-11-05. Review status: criteria provided, single submitter. Criteria: GeneDx Variant Classification Process June 2021. Collection method: clinical testing. Allele origin: germline. Affected: yes.
Comment: Has not been previously published as pathogenic or benign to our knowledge; Not observed at significant frequency in large population cohorts (gnomAD); In silico analysis indicates that this missense variant does not alter protein structure/function

Ambry Genetics
Classification: Uncertain significance for Cardiovascular phenotype. Last evaluated: 2021-10-25. Review status: criteria provided, single submitter. Criteria: Ambry Variant Classification Scheme 2023. Collection method: clinical testing. Allele origin: germline.
Comment: The p.D982G variant (also known as c.2945A>G), located in coding exon 16 of the SCN10A gene, results from an A to G substitution at nucleotide position 2945. The aspartic acid at codon 982 is replaced by glycine, an amino acid with similar properties. This amino acid position is conserved. In addition, this alteration is predicted to be tolerated by in silico analysis. Since supporting evidence is limited at this time, the clinical significance of this alteration remains unclear.

NM_006514.4(SCN10A):c.2945A>G (p.Asp982Gly)

Genes: SCN10A (sodium voltage-gated channel alpha subunit 10; minus strand), LOC110121288 (VISTA enhancer hs2268; plus strand). Cytogenetic location: 3p22.2.
Variant type: single nucleotide variant.
Coding change: c.2945A>G on transcript NM_006514.4 (MANE Select); coding-DNA position 2945, A replaced by G.
Protein change: p.Asp982Gly; replaces aspartic acid 982 with glycine.
Molecular consequence: missense variant.
Genome position (GRCh38, 1-based): chr3:38,726,748, T>C on the plus strand (A>G on the coding strand, the complement: SCN10A is on the minus strand). VCF-style: chr3-38726748-T-C. GRCh37 (hg19) VCF-style: chr3-38768239-T-C.
Other names: c.2945A>G, p.Asp982Gly (NM_001293306.2); c.2651A>G, p.Asp884Gly (NM_001293307.2); short protein forms D982G, D884G.
Identifiers: ClinVar variation 1797961 (VCV001797961.3), dbSNP rs970548051, ClinGen allele CA72960499.
Genomic context (GRCh38, chr3:38,726,748, plus strand): 5'-CCCTCAGCAATGGGCACAGAGACCCACACAGTCGGATTAGCGATGAAGTCACTGTGCTCA[T>C]CCCTGGGGCCTCTGGGAGCTTGGAGCCCTCCAGAGCTCCCCCTGGCAGTGTTGGCAGCAA-3'
Protein context (NP_006505.4, residues 972-992): GGLQAPRGPR[Asp982Gly]EHSDFIANPT